The following is an entry in ClinVar:

ClinVar aggregate classification (germline): Uncertain significance (1 of 4 stars; one submission).

Submission:

GeneDx
Classification: Uncertain significance. Last evaluated: 2025-08-21. Review status: criteria provided, single submitter. Criteria: GeneDx Variant Classification Process June 2021. Collection method: clinical testing. Allele origin: germline.
Comment: Nonsense variant predicted to result in protein truncation or nonsense mediated decay in a gene or region of a gene for which loss of function is not a well-established mechanism of disease; Not observed at significant frequency in large population cohorts (gnomAD); Has not been previously published as pathogenic or benign to our knowledge

NM_001205293.3(CACNA1E):c.5760C>G (p.Tyr1920Ter)

Gene: CACNA1E (calcium voltage-gated channel subunit alpha1 E; plus strand). Cytogenetic location: 1q25.3.
Variant type: single nucleotide variant.
Coding change: c.5760C>G on transcript NM_001205293.3 (MANE Select); coding-DNA position 5760, C replaced by G.
Protein change: p.Tyr1920Ter; replaces tyrosine 1920 with a stop codon.
Molecular consequence: nonsense.
Genome position (GRCh38, 1-based): chr1:181,785,793, C>G. VCF-style: chr1-181785793-C-G. GRCh37 (hg19) VCF-style: chr1-181754929-C-G.
Other names: c.5760C>G, p.Tyr1920Ter (NM_000721.4); c.5703C>G, p.Tyr1901Ter (NM_001205294.2); short protein forms Y1901*, Y1920*.
Identifiers: ClinVar variation 3774062 (VCV003774062.2).
Genomic context (GRCh38, chr1:181,785,793, plus strand): 5'-GCGCATGGAGCCTTCATCTCTGCCTCAGGAGATCATTGCTAATGCCAAAGCCCTGCCTTA[C>G]CTCCAGCAGGACCCCGTTTCAGGCCTGTGAGTAGCACCAAAACATCCCTGGCATGGCTGT-3'